The following is an entry in ClinVar:

NM_001142864.4(PIEZO1):c.923T>C (p.Leu308Pro)

Genes: HSALR1 (HSP90AB1 associated lncRNA 1; plus strand), PIEZO1 (piezo type mechanosensitive ion channel component 1 (Er blood group); minus strand). Cytogenetic location: 16q24.3.
Variant type: single nucleotide variant.
Coding change: c.923T>C on transcript NM_001142864.4 (MANE Select); coding-DNA position 923, T replaced by C.
Protein change: p.Leu308Pro; replaces leucine 308 with proline.
Molecular consequence: missense variant. On other transcripts: non-coding transcript variant (1).
Genome position (GRCh38, 1-based): chr16:88,738,031, A>G on the plus strand (T>C on the coding strand, the complement: PIEZO1 is on the minus strand). VCF-style: chr16-88738031-A-G. GRCh37 (hg19) VCF-style: chr16-88804439-A-G.
Other names: c.923T>C (NM_001142864.3); short protein forms L308P.
Identifiers: ClinVar variation 2298654 (VCV002298654.4), dbSNP rs1287179392, ClinGen allele CA397121582.

ClinVar aggregate classification (germline): Uncertain significance. Review status: criteria provided, multiple submitters, no conflicts (2 of 4 stars). 3 submissions from 3 submitters: Uncertain significance (2). 1 of the submissions does not count toward it. Last evaluated 2024-11-18.

Conditions:
Inborn genetic diseases. Identifiers: MedGen C0950123, MeSH D030342.
PIEZO1-related disorder. Also called: PIEZO1-related condition; PIEZO1-Related Disorders.

Allele frequency attached by ClinVar (database versions not stated): gnomAD exomes below 0.00001.
gnomAD v4.1: 4 of 1,535,722 alleles (0.00026%); highest among the groups gnomAD compares: South Asian, 0.0036%; no homozygotes.

Submissions (3):

GeneDx
Classification: Uncertain significance. Last evaluated: 2024-11-18. Review status: criteria provided, single submitter. Criteria: GeneDx Variant Classification Process June 2021. Collection method: clinical testing. Allele origin: germline. Affected: yes.
Comment: Not observed at significant frequency in large population cohorts (gnomAD); In silico analysis indicates that this missense variant does not alter protein structure/function; Has not been previously published as pathogenic or benign to our knowledge

Ambry Genetics
Classification: Uncertain significance for Inborn genetic diseases. Last evaluated: 2022-06-28. Review status: criteria provided, single submitter. Criteria: Ambry Variant Classification Scheme 2023. Collection method: clinical testing. Allele origin: germline.

PreventionGenetics, part of Exact Sciences
Classification: Uncertain significance for PIEZO1-related condition. Last evaluated: 2024-03-04. Review status: no assertion criteria provided. Collection method: clinical testing. Allele origin: germline. Not counted in ClinVar's aggregate classification.
Comment: The PIEZO1 c.923T>C variant is predicted to result in the amino acid substitution p.Leu308Pro. To our knowledge, this variant has not been reported in the literature or in a large population database, indicating this variant is rare. At this time, the clinical significance of this variant is uncertain due to the absence of conclusive functional and genetic evidence.